The following is an entry in ClinVar:

ClinVar aggregate classification (germline): Conflicting classifications of pathogenicity. Review status: criteria provided, conflicting classifications (1 of 4 stars). 3 submissions from 3 submitters: Uncertain significance (2); Benign (1). Last evaluated 2025-10-23.

Conditions:
Heterotopia, periventricular, X-linked dominant (PVNH1). Also called: PERIVENTRICULAR NODULAR HETEROTOPIA 1; X-linked periventricular heterotopia; PERIVENTRICULAR NODULAR HETEROTOPIA 4; HETEROTOPIA, PERIVENTRICULAR, 1. Identifiers: Orphanet 2149, Orphanet 82004, MedGen C1848213, MONDO:0010233, OMIM 300049.
Melnick-Needles syndrome (MNS). Also called: MELNICK-NEEDLES OSTEODYSPLASTY; OSTEODYSPLASTY OF MELNICK AND NEEDLES; Melnick-Needles Syndrome (FLNA-MNS). Identifiers: Orphanet 2484, MedGen C0025237, MONDO:0010650, OMIM 309350.
Frontometaphyseal dysplasia (FMD1). Identifiers: Orphanet 1826, MedGen C0265293, MONDO:0015942.
Oto-palato-digital syndrome, type II (OPD2). Also called: FACIOPALATOOSSEOUS SYNDROME; OPD II SYNDROME; Otopalatodigital Syndrome Type 2 (FLNA-OPD2); Otopalatodigital Syndrome, Type II. Identifiers: Orphanet 669, Orphanet 90652, MedGen C1844696, MONDO:0010571, OMIM 304120.

Allele frequency attached by ClinVar (database versions not stated): gnomAD exomes below 0.00001 and 0.00001; gnomAD 0.00002; TOPMed 0.00003.
gnomAD v4.1: 7 of 1,210,667 alleles (0.00058%); highest among the groups gnomAD compares: African/African-American, 0.0052%; no homozygotes.

Submissions (3):

Labcorp Genetics (formerly Invitae), Labcorp
Classification: Benign for Oto-palato-digital syndrome, type II; Heterotopia, periventricular, X-linked dominant; Frontometaphyseal dysplasia; Melnick-Needles syndrome. Last evaluated: 2025-10-23. Review status: criteria provided, single submitter. Criteria: Invitae Variant Classification Sherloc (09022015). Collection method: clinical testing. Allele origin: germline.

Women's Health and Genetics/Laboratory Corporation of America, LabCorp
Classification: Uncertain significance. Last evaluated: 2023-08-24. Review status: criteria provided, single submitter. Criteria: LabCorp Variant Classification Summary - May 2015. Collection method: clinical testing. Allele origin: germline.

GeneDx
Classification: Uncertain significance. Last evaluated: 2020-12-03. Review status: criteria provided, single submitter. Criteria: GeneDx Variant Classification Process June 2021. Collection method: clinical testing. Allele origin: germline. Affected: yes.
Comment: Has not been previously published as pathogenic or benign to our knowledge; In silico analysis supports that this missense variant has a deleterious effect on protein structure/function

NM_001110556.2(FLNA):c.5447C>T (p.Ala1816Val)

Gene: FLNA (filamin A; minus strand). Cytogenetic location: Xq28.
Variant type: single nucleotide variant.
Coding change: c.5447C>T on transcript NM_001110556.2 (MANE Select); coding-DNA position 5447, C replaced by T.
Protein change: p.Ala1816Val; replaces alanine 1816 with valine.
Molecular consequence: missense variant.
Genome position (GRCh38, 1-based): chrX:154,354,261, G>A on the plus strand (C>T on the coding strand, the complement: FLNA is on the minus strand). VCF-style: chrX-154354261-G-A. GRCh37 (hg19) VCF-style: chrX-153582629-G-A.
Other names: c.5423C>T, p.Ala1808Val (NM_001456.4); short protein forms A1808V, A1816V.
Identifiers: ClinVar variation 1220344 (VCV001220344.12), dbSNP rs12395634, ClinGen allele CA337276205.
Genomic context (GRCh38, chrX:154,354,261, plus strand): 5'-TCGCTGGGTGCATACCGCACGGTCACGGTGCCGTCTTTGTTGTCAGTGATGGTGGGCTGC[G>A]CCACCTTGCCTGAGGGCATCCGAACCTCCCCTGTGGGGCAGTGGGGCTGAGGTCAGGGCA-3'
Protein context (NP_001104026.1, residues 1806-1826): GEVRMPSGKV[Ala1816Val]QPTITDNKDG